The following is an entry in ClinVar:

NM_002432.3(MNDA):c.646G>T (p.Val216Leu)

Gene: MNDA (myeloid cell nuclear differentiation antigen; plus strand). Cytogenetic location: 1q23.1.
Variant type: single nucleotide variant.
Coding change: c.646G>T on transcript NM_002432.3 (MANE Select); coding-DNA position 646, G replaced by T.
Protein change: p.Val216Leu; replaces valine 216 with leucine.
Molecular consequence: missense variant.
Genome position (GRCh38, 1-based): chr1:158,845,662, G>T. VCF-style: chr1-158845662-G-T. GRCh37 (hg19) VCF-style: chr1-158815452-G-T.
Other names: short protein forms V216L.
Identifiers: ClinVar variation 1753707 (VCV001753707.2), dbSNP rs766581596, ClinGen allele CA343040903.

ClinVar aggregate classification (germline): Uncertain significance (1 of 4 stars; one submission).

Submission:

Ambry Genetics
Classification: Uncertain significance. Last evaluated: 2024-02-25. Review status: criteria provided, single submitter. Criteria: Ambry Variant Classification Scheme 2023. Collection method: clinical testing. Allele origin: germline.
Comment: The p.V216L variant (also known as c.646G>T), located in coding exon 4 of the MNDA gene, results from a G to T substitution at nucleotide position 646. The valine at codon 216 is replaced by leucine, an amino acid with highly similar properties. This amino acid position is conserved. In addition, this alteration is predicted to be tolerated by in silico analysis. Since supporting evidence is limited at this time, the clinical significance of this alteration remains unclear.